The following is an entry in ClinVar:

ClinVar aggregate classification (germline): Uncertain significance. Review status: criteria provided, multiple submitters, no conflicts (2 of 4 stars). 2 submissions from 2 submitters: Uncertain significance (2). Last evaluated 2023-06-02.

Conditions:
Kabuki syndrome 1 (KABUK1). Also called: KMT2D-Related Kabuki Syndrome. Identifiers: Orphanet 2322, MedGen CN030661, MONDO:0007843, OMIM 147920.
Choanal atresia-athelia-hypothyroidism-delayed puberty-short stature syndrome (BCAHH). Also called: BRANCHIAL ARCH ABNORMALITIES, CHOANAL ATRESIA, ATHELIA, HEARING LOSS, AND HYPOTHYROIDISM SYNDROME. Identifiers: Orphanet 589856, MedGen C5680310, MONDO:0035651, OMIM 620186.

Submissions (2):

GeneDx
Classification: Uncertain significance. Last evaluated: 2023-06-02. Review status: criteria provided, single submitter. Criteria: GeneDx Variant Classification Process June 2021. Collection method: clinical testing. Allele origin: germline. Affected: yes.
Comment: Not observed at significant frequency in large population cohorts (gnomAD); In silico analysis supports that this missense variant has a deleterious effect on protein structure/function; Has not been previously published as pathogenic or benign to our knowledge

Juno Genomics, Hangzhou Juno Genomics, Inc
Classification: Uncertain significance for Choanal atresia-athelia-hypothyroidism-delayed puberty-short stature syndrome; Kabuki syndrome 1. Review status: criteria provided, single submitter. Criteria: ACMG Guidelines, 2015. Collection method: clinical testing. Allele origin: germline.
Comment: Absent from controls (or at extremely low frequency if recessive) in Genome Aggregation Database.;Missense variant in a gene that has a low rate of benign missense variation.;Multiple lines of computational evidence support a deleterious effect on the gene or gene product.

NM_003482.4(KMT2D):c.6176C>T (p.Pro2059Leu)

Gene: KMT2D (lysine methyltransferase 2D; minus strand). Cytogenetic location: 12q13.12.
Variant type: single nucleotide variant.
Coding change: c.6176C>T on transcript NM_003482.4 (MANE Select); coding-DNA position 6176, C replaced by T.
Protein change: p.Pro2059Leu; replaces proline 2059 with leucine.
Molecular consequence: missense variant.
Genome position (GRCh38, 1-based): chr12:49,041,924, G>A on the plus strand (C>T on the coding strand, the complement: KMT2D is on the minus strand). VCF-style: chr12-49041924-G-A. GRCh37 (hg19) VCF-style: chr12-49435707-G-A.
Other names: short protein forms P2059L.
Identifiers: ClinVar variation 3359437 (VCV003359437.3).